The following is an entry in ClinVar:

ClinVar aggregate classification (germline): Likely benign. Review status: criteria provided, multiple submitters, no conflicts (2 of 4 stars). 4 submissions from 4 submitters: Likely benign (4). Last evaluated 2025-10-27.

Conditions:
SMARCA4-related disorder. Also called: SMARCA4-related condition.
Hereditary cancer-predisposing syndrome. Also called: Neoplastic Syndromes, Hereditary; Hereditary Cancer Syndrome; Tumor predisposition; Hereditary neoplastic syndrome. Identifiers: Orphanet 140162, MedGen C0027672, MeSH D009386, MONDO:0015356.
Intellectual disability, autosomal dominant 16 (CSS4). Also called: COFFIN-SIRIS SYNDROME 4. Identifiers: Orphanet 1465, MedGen C3553249, MONDO:0013821, OMIM 614609.
Rhabdoid tumor predisposition syndrome 2 (RTPS2). Identifiers: Orphanet 231108, Orphanet 69077, MedGen C2750074, MONDO:0013224, OMIM 613325.

Allele frequency attached by ClinVar (database versions not stated): gnomAD exomes below 0.00001; TOPMed below 0.00001; gnomAD 0.00001.
gnomAD v4.1: 3 of 1,613,574 alleles (0.00019%); highest among the groups gnomAD compares: Non-Finnish European, 0.00025%; no homozygotes.

Submissions (4):

Labcorp Genetics (formerly Invitae), Labcorp
Classification: Likely benign for Rhabdoid tumor predisposition syndrome 2. Last evaluated: 2025-10-27. Review status: criteria provided, single submitter. Criteria: Invitae Variant Classification Sherloc (09022015). Collection method: clinical testing. Allele origin: germline.

PreventionGenetics, part of Exact Sciences
Classification: Likely benign for SMARCA4-related condition. Last evaluated: 2024-12-31. Review status: criteria provided, single submitter. Criteria: ACMG Guidelines, 2015. Collection method: clinical testing. Allele origin: germline.
Comment: This variant is classified as likely benign based on ACMG/AMP sequence variant interpretation guidelines (Richards et al. 2015 PMID: 25741868, with internal and published modifications).

Ambry Genetics
Classification: Likely benign for Hereditary cancer-predisposing syndrome. Last evaluated: 2023-10-09. Review status: criteria provided, single submitter. Criteria: Ambry Variant Classification Scheme 2023. Collection method: clinical testing. Allele origin: germline.

Genome-Nilou Lab
Classification: Likely benign for Intellectual disability, autosomal dominant 16. Last evaluated: 2021-07-15. Review status: criteria provided, single submitter. Criteria: ACMG Guidelines, 2015. Collection method: clinical testing. Allele origin: germline. Affected: no.

NM_003072.5(SMARCA4):c.4912-4C>A

Gene: SMARCA4 (SWI/SNF related BAF chromatin remodeling complex subunit ATPase 4; plus strand). Cytogenetic location: 19p13.2.
Variant type: single nucleotide variant.
Coding change: c.4912-4C>A on transcript NM_003072.5 (MANE Select); 4 bases into the intron before coding-DNA position 4912, C replaced by A.
Molecular consequence: intron variant.
Genome position (GRCh38, 1-based): chr19:11,061,780, C>A. VCF-style: chr19-11061780-C-A. GRCh37 (hg19) VCF-style: chr19-11172456-C-A.
Other names: c.4912-4C>A (NM_001128844.3); c.5008-4C>A (NM_001128849.3, NM_001387283.1); c.4813-4C>A (NM_001128847.4, NM_001374457.1); c.4822-4C>A (NM_001128845.2); c.4819-4C>A (NM_001128846.2); c.4810-4C>A (NM_001128848.2).
Identifiers: ClinVar variation 484889 (VCV000484889.17), dbSNP rs1555797433, ClinGen allele CA658658779.